The following is an entry in ClinVar:

ClinVar aggregate classification (germline): Conflicting classifications of pathogenicity. Review status: criteria provided, conflicting classifications (1 of 4 stars). 2 submissions from 2 submitters: Likely pathogenic (1); Uncertain significance (1). Last evaluated 2021-08-17.

Conditions:
RYR1-related disorder. Also called: RYR1-related condition; RYR1-related disorders. Identifiers: MedGen CN239331.

Allele frequency attached by ClinVar (database versions not stated): TOPMed below 0.00001.

Submissions (2):

GeneDx
Classification: Likely pathogenic. Last evaluated: 2021-08-17. Review status: criteria provided, single submitter. Criteria: GeneDx Variant Classification Process June 2021. Collection method: clinical testing. Allele origin: germline. Affected: yes.
Comment: Not observed in large population cohorts (Lek et al., 2016); In silico analysis supports that this missense variant has a deleterious effect on protein structure/function; Has not been previously published as pathogenic or benign to our knowledge

Labcorp Genetics (formerly Invitae), Labcorp
Classification: Uncertain significance for RYR1-related disorder. Last evaluated: 2020-10-15. Review status: criteria provided, single submitter. Criteria: Invitae Variant Classification Sherloc (09022015). Collection method: clinical testing. Allele origin: germline.
Comment: In summary, the available evidence is currently insufficient to determine the role of this variant in disease. Therefore, it has been classified as a Variant of Uncertain Significance. Algorithms developed to predict the effect of missense changes on protein structure and function are either unavailable or do not agree on the potential impact of this missense change (SIFT: "Deleterious"; PolyPhen-2: "Benign"; Align-GVGD: "Class C0"). This variant has not been reported in the literature in individuals with RYR1-related conditions. This variant is not present in population databases (ExAC no frequency). This sequence change replaces cysteine with arginine at codon 3044 of the RYR1 protein (p.Cys3044Arg). The cysteine residue is highly conserved and there is a large physicochemical difference between cysteine and arginine.

NM_000540.3(RYR1):c.9130T>C (p.Cys3044Arg)

Gene: RYR1 (ryanodine receptor 1; plus strand). Cytogenetic location: 19q13.2.
Variant type: single nucleotide variant.
Coding change: c.9130T>C on transcript NM_000540.3 (MANE Select); coding-DNA position 9130, T replaced by C.
Protein change: p.Cys3044Arg; replaces cysteine 3044 with arginine.
Molecular consequence: missense variant.
Genome position (GRCh38, 1-based): chr19:38,511,568, T>C. VCF-style: chr19-38511568-T-C. GRCh37 (hg19) VCF-style: chr19-39002208-T-C.
Other names: c.9130T>C, p.Cys3044Arg (NM_001042723.2); short protein forms C3044R.
Identifiers: ClinVar variation 1014676 (VCV001014676.10), dbSNP rs1970727401, ClinGen allele CA405684369.
Genomic context (GRCh38, chr19:38,511,568, plus strand): 5'-TGGCCTCCTCACTCGCTGTTTCTCCTGCCTTCTGTCCCTTTCTCTTTCTTCAGCCTCTTC[T>C]GCAAACTTGCTGCTCTCGTCCGCCACCGAGTCTCTCTCTTTGGTAAGTGGCTCCACACCT-3'
Protein context (NP_000531.2, residues 3034-3054): KEKEMITSLF[Cys3044Arg]KLAALVRHRV